The following is an entry in ClinVar:

NM_001375380.1(EBF3):c.-10A>G

Gene: EBF3 (EBF transcription factor 3; minus strand). Cytogenetic location: 10q26.3.
Variant type: single nucleotide variant.
Coding change: c.-10A>G on transcript NM_001375380.1 (MANE Select); 10 bases upstream of the start codon, A replaced by G.
Molecular consequence: 5 prime UTR variant.
Genome position (GRCh38, 1-based): chr10:129,963,778, T>C on the plus strand (A>G on the coding strand, the complement: EBF3 is on the minus strand). VCF-style: chr10-129963778-T-C. GRCh37 (hg19) VCF-style: chr10-131762042-T-C.
Other names: c.-10A>G (NM_001005463.3, NM_001375379.1, NM_001375389.1 and 3 more transcripts).
Identifiers: ClinVar variation 3052724 (VCV003052724.2), dbSNP rs757509241, ClinGen allele CA5748906.

ClinVar aggregate classification (germline): Likely benign (0 of 4 stars; one submission).

Conditions:
EBF3-related disorder. Identifiers: MedGen CN239924.

Allele frequency attached by ClinVar (database versions not stated): TOPMed below 0.00001; ExAC 0.00001; gnomAD 0.00001; gnomAD exomes 0.00001.
gnomAD v4.1: 16 of 1,499,380 alleles (0.0011%); highest among the groups gnomAD compares: Non-Finnish European, 0.0013%; no homozygotes.

Submission:

PreventionGenetics, part of Exact Sciences
Classification: Likely benign for EBF3-related condition. Last evaluated: 2019-09-05. Review status: no assertion criteria provided. Collection method: clinical testing. Allele origin: germline.
Comment: This variant is classified as likely benign based on ACMG/AMP sequence variant interpretation guidelines (Richards et al. 2015 PMID: 25741868, with internal and published modifications).